The following is an entry in ClinVar:

ClinVar aggregate classification (germline): Conflicting classifications of pathogenicity. Review status: criteria provided, conflicting classifications (1 of 4 stars). 2 submissions from 2 submitters: Likely pathogenic (1); Uncertain significance (1). Last evaluated 2023-05-10.

Conditions:
Hereditary pancreatitis (PCTT). Also called: Hereditary chronic pancreatitis; PRSS1-Related Hereditary Pancreatitis. Identifiers: Orphanet 676, MedGen C0238339, MONDO:0008185, OMIM 167800.

Submissions (2):

Mayo Clinic Laboratories, Mayo Clinic
Classification: Likely pathogenic. Last evaluated: 2023-05-10. Review status: criteria provided, single submitter. Criteria: ACMG Guidelines, 2015. Collection method: clinical testing. Allele origin: germline. Observed: 1 variant allele.
Comment: PM2, PVS1_strong

Labcorp Genetics (formerly Invitae), Labcorp
Classification: Uncertain significance for Hereditary pancreatitis. Last evaluated: 2022-02-19. Review status: criteria provided, single submitter. Criteria: Invitae Variant Classification Sherloc (09022015). Collection method: clinical testing. Allele origin: germline.
Comment: This variant is not present in population databases (gnomAD no frequency). This sequence change results in a frameshift in the SPINK1 gene (p.Cys61Phefs*34). While this is not anticipated to result in nonsense mediated decay, it is expected to disrupt the last 19 amino acid(s) of the SPINK1 protein and extend the protein by 14 additional amino acid residues. This variant has not been reported in the literature in individuals affected with SPINK1-related conditions. In summary, the available evidence is currently insufficient to determine the role of this variant in disease. Therefore, it has been classified as a Variant of Uncertain Significance. Experimental studies and prediction algorithms are not available or were not evaluated, and the functional significance of this variant is currently unknown.

Literature cited by the submitters: PubMed 32948427 (cited by Mayo Clinic Laboratories, Mayo Clinic).

NM_001379610.1(SPINK1):c.182del (p.Cys61fs)

Gene: SPINK1 (serine peptidase inhibitor Kazal type 1; minus strand). Cytogenetic location: 5q32.
Variant type: Deletion.
Coding change: c.182del on transcript NM_001379610.1 (MANE Select); coding-DNA position 182, one base deleted (G; older notation c.182delG).
Protein change: p.Cys61fs; shifts the reading frame from cysteine 61.
Molecular consequence: frameshift variant.
Genome position (GRCh38, 1-based): chr5:147,828,034, C deleted on the plus strand (G on the coding strand, the reverse complement: SPINK1 is on the minus strand). VCF-style (leftmost placement, unchanged base first): chr5-147828033-AC-A. GRCh37 (hg19) VCF-style: chr5-147207596-AC-A.
Other names: p.Cys61Phefs*34; c.182del (NM_003122.4); c.182del, p.Cys61fs (NM_001354966.2, NM_003122.5); short protein forms C61fs.
Identifiers: ClinVar variation 2414904 (VCV002414904.7), dbSNP rs2480198849, ClinGen allele CA2580073058.